The following is an entry in ClinVar:

ClinVar aggregate classification (germline): Uncertain significance. Review status: criteria provided, multiple submitters, no conflicts (2 of 4 stars). 4 submissions from 4 submitters: Uncertain significance (4). Last evaluated 2025-10-30.

Conditions:
Inborn genetic diseases. Identifiers: MedGen C0950123, MeSH D030342.
Fatal mitochondrial disease due to combined oxidative phosphorylation defect type 3. Also called: Combined oxidative phosphorylation deficiency 3; ENCEPHALOMYOPATHY, RESPIRATORY FAILURE, AND LACTIC ACIDOSIS. Identifiers: Orphanet 168566, MedGen C1864840, MONDO:0012512, OMIM 610505.

Allele frequency attached by ClinVar (database versions not stated): TOPMed 0.00003; gnomAD exomes 0.00002; ExAC 0.00003; gnomAD 0.00003.
gnomAD v4.1: 57 of 1,602,706 alleles (0.0036%); highest among the groups gnomAD compares: Non-Finnish European, 0.0046%; no homozygotes.

Submissions (4):

Ambry Genetics
Classification: Uncertain significance for Inborn genetic diseases. Last evaluated: 2025-10-30. Review status: criteria provided, single submitter. Criteria: Ambry Variant Classification Scheme 2023. Collection method: clinical testing. Allele origin: germline.

GeneDx
Classification: Uncertain significance. Last evaluated: 2025-06-06. Review status: criteria provided, single submitter. Criteria: GeneDx Variant Classification Process June 2021. Collection method: clinical testing. Allele origin: germline.
Comment: Not observed at significant frequency in large population cohorts (gnomAD); In silico analysis suggests that this missense variant does not alter protein structure/function; Has not been previously published as pathogenic or benign to our knowledge

Labcorp Genetics (formerly Invitae), Labcorp
Classification: Uncertain significance. Last evaluated: 2022-09-01. Review status: criteria provided, single submitter. Criteria: Invitae Variant Classification Sherloc (09022015). Collection method: clinical testing. Allele origin: germline.
Comment: This sequence change replaces methionine, which is neutral and non-polar, with leucine, which is neutral and non-polar, at codon 284 of the TSFM protein (p.Met284Leu). This variant is present in population databases (rs764183902, gnomAD 0.004%). This variant has not been reported in the literature in individuals affected with TSFM-related conditions. ClinVar contains an entry for this variant (Variation ID: 882314). Algorithms developed to predict the effect of missense changes on protein structure and function are either unavailable or do not agree on the potential impact of this missense change (SIFT: "Tolerated"; PolyPhen-2: "Possibly Damaging"; Align-GVGD: "Class C0"). In summary, the available evidence is currently insufficient to determine the role of this variant in disease. Therefore, it has been classified as a Variant of Uncertain Significance.

Illumina Laboratory Services, Illumina
Classification: Uncertain significance for Fatal mitochondrial disease due to combined oxidative phosphorylation defect type 3. Last evaluated: 2018-01-13. Review status: criteria provided, single submitter. Criteria: ICSL Variant Classification Criteria 13 December 2019. Collection method: clinical testing. Allele origin: germline.

NM_005726.6(TSFM):c.787A>T (p.Met263Leu)

Gene: TSFM (Ts translation elongation factor, mitochondrial; plus strand). Cytogenetic location: 12q14.1.
Variant type: single nucleotide variant.
Coding change: c.787A>T on transcript NM_005726.6 (MANE Select); coding-DNA position 787, A replaced by T.
Protein change: p.Met263Leu; replaces methionine 263 with leucine.
Molecular consequence: missense variant. On other transcripts: intron variant (1), 3 prime UTR variant (1).
Genome position (GRCh38, 1-based): chr12:57,796,392, A>T. VCF-style: chr12-57796392-A-T. GRCh37 (hg19) VCF-style: chr12-58190175-A-T.
Other names: c.571+3319A>T (NM_001172697.2); c.*195A>T (NM_001172695.2); c.850A>T, p.Met284Leu (NM_001172696.2); short protein forms M284L, M263L.
Identifiers: ClinVar variation 882314 (VCV000882314.9), dbSNP rs764183902, ClinGen allele CA6659445.
Genomic context (GRCh38, chr12:57,796,392, plus strand): 5'-TCTGAACAGAAAACAAACCTTGAAGACGTTGGCCGCCGCCTTGGGCAGCATGTGGTGGGC[A>T]TGGCCCCCCTCTCTGTTGGCTCCCTGGACGATGAGCCTGGGGGAGAGGCAGAGACTAAGA-3'
Protein context (NP_005717.3, residues 253-273): GRRLGQHVVG[Met263Leu]APLSVGSLDD